The following is an entry in ClinVar:

ClinVar aggregate classification (germline): Uncertain significance (1 of 4 stars; one submission).

Conditions:
HIVEP2-related disorder. Also called: HIVEP2-related condition.

gnomAD v4.1: 1 of 1,614,198 alleles (0.000062%); highest among the groups gnomAD compares: Non-Finnish European, 0.000085%; no homozygotes.

Submission:

PreventionGenetics, part of Exact Sciences
Classification: Uncertain significance for HIVEP2-related condition. Last evaluated: 2025-09-08. Review status: criteria provided, single submitter. Criteria: ACMG Guidelines, 2015. Collection method: clinical testing. Allele origin: germline.
Comment: The HIVEP2 c.1409T>G variant is predicted to result in the amino acid substitution p.Met470Arg. To our knowledge, this variant has not been reported in the literature or in a large population database (gnomAD), indicating this variant is rare. At this time, the clinical significance of this variant is uncertain due to the absence of conclusive functional and genetic evidence.

NM_006734.4(HIVEP2):c.1409T>G (p.Met470Arg)

Gene: HIVEP2 (HIVEP zinc finger 2; minus strand). Cytogenetic location: 6q24.2.
Variant type: single nucleotide variant.
Coding change: c.1409T>G on transcript NM_006734.4 (MANE Select); coding-DNA position 1409, T replaced by G.
Protein change: p.Met470Arg; replaces methionine 470 with arginine.
Molecular consequence: missense variant.
Genome position (GRCh38, 1-based): chr6:142,773,330, A>C on the plus strand (T>G on the coding strand, the complement: HIVEP2 is on the minus strand). VCF-style: chr6-142773330-A-C. GRCh37 (hg19) VCF-style: chr6-143094467-A-C.
Other names: c.1409T>G, p.Met470Arg (NM_001438449.1, NM_001438450.1, NM_001438451.1); short protein forms M470R.
Identifiers: ClinVar variation 4992864 (VCV004992864.1).